The following is an entry in ClinVar:

NM_206965.2(FTCD):c.1293G>C (p.Glu431Asp)

Gene: FTCD (formimidoyltransferase cyclodeaminase; minus strand). Cytogenetic location: 21q22.3.
Variant type: single nucleotide variant.
Coding change: c.1293G>C on transcript NM_206965.2 (MANE Select); coding-DNA position 1293, G replaced by C.
Protein change: p.Glu431Asp; replaces glutamic acid 431 with aspartic acid.
Molecular consequence: missense variant.
Genome position (GRCh38, 1-based): chr21:46,138,891, C>G on the plus strand (G>C on the coding strand, the complement: FTCD is on the minus strand). VCF-style: chr21-46138891-C-G. GRCh37 (hg19) VCF-style: chr21-47558805-C-G.
Other names: c.1293G>C (NM_006657.2); c.1293G>C, p.Glu431Asp (NM_001320412.2, NM_006657.3); short protein forms E431D.
Identifiers: ClinVar variation 1349276 (VCV001349276.7), dbSNP rs769728202, ClinGen allele CA10073534.

ClinVar aggregate classification (germline): Uncertain significance. Review status: criteria provided, multiple submitters, no conflicts (2 of 4 stars). 2 submissions from 2 submitters: Uncertain significance (2). Last evaluated 2025-08-04.

Conditions:
Inborn genetic diseases. Identifiers: MedGen C0950123, MeSH D030342.
Glutamate formiminotransferase deficiency. Also called: Arakawa syndrome 1; Formiminoglutamic aciduria. Identifiers: Orphanet 51208, MedGen C0268609, MONDO:0009240, OMIM 229100.

gnomAD v4.1: 22 of 1,612,748 alleles (0.0014%); highest among the groups gnomAD compares: Non-Finnish European, 0.0017%; no homozygotes.

Submissions (2):

Ambry Genetics
Classification: Uncertain significance for Inborn genetic diseases. Last evaluated: 2025-08-04. Review status: criteria provided, single submitter. Criteria: Ambry Variant Classification Scheme 2023. Collection method: clinical testing. Allele origin: germline.

Labcorp Genetics (formerly Invitae), Labcorp
Classification: Uncertain significance for Glutamate formiminotransferase deficiency. Last evaluated: 2025-05-18. Review status: criteria provided, single submitter. Criteria: Invitae Variant Classification Sherloc (09022015). Collection method: clinical testing. Allele origin: germline.
Comment: This sequence change replaces glutamic acid, which is acidic and polar, with aspartic acid, which is acidic and polar, at codon 431 of the FTCD protein (p.Glu431Asp). This variant is present in population databases (rs769728202, gnomAD 0.003%). This variant has not been reported in the literature in individuals affected with FTCD-related conditions. ClinVar contains an entry for this variant (Variation ID: 1349276). Invitae Evidence Modeling of protein sequence and biophysical properties (such as structural, functional, and spatial information, amino acid conservation, physicochemical variation, residue mobility, and thermodynamic stability) indicates that this missense variant is not expected to disrupt FTCD protein function with a negative predictive value of 80%. In summary, the available evidence is currently insufficient to determine the role of this variant in disease. Therefore, it has been classified as a Variant of Uncertain Significance.